The following is an entry in ClinVar:

NM_014425.5(INVS):c.1579C>A (p.Pro527Thr)

Gene: INVS (inversin; plus strand). Cytogenetic location: 9q31.1.
Variant type: single nucleotide variant.
Coding change: c.1579C>A on transcript NM_014425.5 (MANE Select); coding-DNA position 1579, C replaced by A.
Protein change: p.Pro527Thr; replaces proline 527 with threonine.
Molecular consequence: missense variant. On other transcripts: non-coding transcript variant (1).
Genome position (GRCh38, 1-based): chr9:100,272,871, C>A. VCF-style: chr9-100272871-C-A. GRCh37 (hg19) VCF-style: chr9-103035153-C-A.
Other names: c.1291C>A, p.Pro431Thr (NM_001318381.2); c.601C>A, p.Pro201Thr (NM_001318382.2); short protein forms P201T, P431T, P527T.
Identifiers: ClinVar variation 3618650 (VCV003618650.1).

ClinVar aggregate classification (germline): Uncertain significance (1 of 4 stars; one submission).

Conditions:
Nephronophthisis. Also called: Juvenile Nephronophthisis. Identifiers: Orphanet 655, MedGen C0687120, MONDO:0019005, HP:0000090.

Submission:

Labcorp Genetics (formerly Invitae), Labcorp
Classification: Uncertain significance for Nephronophthisis. Last evaluated: 2024-12-13. Review status: criteria provided, single submitter. Criteria: Invitae Variant Classification Sherloc (09022015). Collection method: clinical testing. Allele origin: germline.
Comment: This sequence change replaces proline, which is neutral and non-polar, with threonine, which is neutral and polar, at codon 527 of the INVS protein (p.Pro527Thr). This variant is not present in population databases (gnomAD no frequency). This variant has not been reported in the literature in individuals affected with INVS-related conditions. An algorithm developed to predict the effect of missense changes on protein structure and function (PolyPhen-2) suggests that this variant is likely to be disruptive. In summary, the available evidence is currently insufficient to determine the role of this variant in disease. Therefore, it has been classified as a Variant of Uncertain Significance.